The following is an entry in ClinVar:

NM_152564.5(VPS13B):c.2383A>T (p.Asn795Tyr)

Gene: VPS13B (vacuolar protein sorting 13 homolog B; plus strand). Cytogenetic location: 8q22.2.
Variant type: single nucleotide variant.
Coding change: c.2383A>T on transcript NM_152564.5 (MANE Select); coding-DNA position 2383, A replaced by T.
Protein change: p.Asn795Tyr; replaces asparagine 795 with tyrosine.
Molecular consequence: missense variant.
Genome position (GRCh38, 1-based): chr8:99,192,925, A>T. VCF-style: chr8-99192925-A-T. GRCh37 (hg19) VCF-style: chr8-100205153-A-T.
Other names: c.2383A>T, p.Asn795Tyr (NM_015243.3, NM_017890.5); c.2383A>T (NM_017890.3); short protein forms N795Y.
Identifiers: ClinVar variation 1025186 (VCV001025186.5), dbSNP rs781012935, ClinGen allele CA4822897.
Genomic context (GRCh38, chr8:99,192,925, plus strand): 5'-TTCTTGTGCAGGACCAAAAGATCTCAGATTGCTATAACTGAAGGTATATTTGAACTTCCA[A>T]ATCTCACAATTCAAGCTACAAGAGCACAGACACTTCTCTTGCAAGCAATATATCAAAGTT-3'
Protein context (NP_689777.3, residues 785-805): AITEGIFELP[Asn795Tyr]LTIQATRAQT

ClinVar aggregate classification (germline): Uncertain significance. Review status: criteria provided, multiple submitters, no conflicts (2 of 4 stars). 3 submissions from 3 submitters: Uncertain significance (3). Last evaluated 2026-10-01.

Conditions:
Cohen syndrome (COH1). Also called: Cutis verticis gyrata, retinitis pigmentosa, and sensorineural deafness; PEPPER SYNDROME. Identifiers: Orphanet 193, MedGen C0265223, MONDO:0008999, OMIM 216550.

gnomAD v4.1: 3 of 1,613,588 alleles (0.00019%); highest among the groups gnomAD compares: Admixed American, 0.0017%; no homozygotes.

Submissions (3):

GeneDx
Classification: Uncertain significance. Last evaluated: 2026-10-01. Review status: criteria provided, single submitter. Criteria: GeneDx Variant Classification Process June 2021. Collection method: clinical testing. Allele origin: germline.
Comment: Not observed at significant frequency in large population cohorts (gnomAD); In silico analysis supports that this missense variant has a deleterious effect on protein structure/function; Has not been previously published as pathogenic or benign to our knowledge

Labcorp Genetics (formerly Invitae), Labcorp
Classification: Uncertain significance for Cohen syndrome. Last evaluated: 2022-06-20. Review status: criteria provided, single submitter. Criteria: Invitae Variant Classification Sherloc (09022015). Collection method: clinical testing. Allele origin: germline.
Comment: This sequence change replaces asparagine, which is neutral and polar, with tyrosine, which is neutral and polar, at codon 795 of the VPS13B protein (p.Asn795Tyr). This variant is present in population databases (rs781012935, gnomAD 0.003%). This variant has not been reported in the literature in individuals affected with VPS13B-related conditions. ClinVar contains an entry for this variant (Variation ID: 1025186). Algorithms developed to predict the effect of missense changes on protein structure and function are either unavailable or do not agree on the potential impact of this missense change (SIFT: "Not Available"; PolyPhen-2: "Probably Damaging"; Align-GVGD: "Not Available"). In summary, the available evidence is currently insufficient to determine the role of this variant in disease. Therefore, it has been classified as a Variant of Uncertain Significance.

Blueprint Genetics
Classification: Uncertain significance. Last evaluated: 2018-06-18. Review status: criteria provided, single submitter. Criteria: ACMG Guidelines, 2015. Collection method: clinical testing. Allele origin: germline.